The following is an entry in ClinVar:

NM_173086.5(KRT6C):c.1630G>A (p.Gly544Ser)

Gene: KRT6C (keratin 6C; minus strand). Cytogenetic location: 12q13.13.
Variant type: single nucleotide variant.
Coding change: c.1630G>A on transcript NM_173086.5 (MANE Select); coding-DNA position 1630, G replaced by A.
Protein change: p.Gly544Ser; replaces glycine 544 with serine.
Molecular consequence: missense variant.
Genome position (GRCh38, 1-based): chr12:52,469,127, C>T on the plus strand (G>A on the coding strand, the complement: KRT6C is on the minus strand). VCF-style: chr12-52469127-C-T. GRCh37 (hg19) VCF-style: chr12-52862911-C-T.
Other names: c.1630G>A (NM_173086.4); short protein forms G544S.
Identifiers: ClinVar variation 2721628 (VCV002721628.5), dbSNP rs149584449, ClinGen allele CA6581020.

ClinVar aggregate classification (germline): Benign. Review status: criteria provided, single submitter (1 of 4 stars). 2 submissions from 2 submitters: Benign (1). 1 of the submissions does not count toward it. Last evaluated 2024-07-07.

Conditions:
KRT6C-related disorder. Also called: KRT6C-related condition.

Allele frequency attached by ClinVar (database versions not stated): gnomAD exomes 0.00009; ExAC 0.00033; gnomAD 0.00075; 1000 Genomes Project 0.00080; 1000 Genomes Project 30x 0.00094; TOPMed 0.00105; ESP Exome Variant Server 0.00108.
gnomAD v4.1: 259 of 1,614,054 alleles (0.016%); highest among the groups gnomAD compares: African/African-American, 0.28%; 1 homozygote.

Submissions (2):

Labcorp Genetics (formerly Invitae), Labcorp
Classification: Benign. Last evaluated: 2024-07-07. Review status: criteria provided, single submitter. Criteria: Invitae Variant Classification Sherloc (09022015). Collection method: clinical testing. Allele origin: germline.

PreventionGenetics, part of Exact Sciences
Classification: Likely benign for KRT6C-related condition. Last evaluated: 2019-11-08. Review status: no assertion criteria provided. Collection method: clinical testing. Allele origin: germline. Not counted in ClinVar's aggregate classification.
Comment: This variant is classified as likely benign based on ACMG/AMP sequence variant interpretation guidelines (Richards et al. 2015 PMID: 25741868, with internal and published modifications).